The following is an entry in ClinVar:

NM_139057.4(ADAMTS17):c.1365C>G (p.Ser455Arg)

Gene: ADAMTS17 (ADAM metallopeptidase with thrombospondin type 1 motif 17; minus strand). Cytogenetic location: 15q26.3.
Variant type: single nucleotide variant.
Coding change: c.1365C>G on transcript NM_139057.4 (MANE Select); coding-DNA position 1365, C replaced by G.
Protein change: p.Ser455Arg; replaces serine 455 with arginine.
Molecular consequence: missense variant.
Genome position (GRCh38, 1-based): chr15:100,152,720, G>C on the plus strand (C>G on the coding strand, the complement: ADAMTS17 is on the minus strand). VCF-style: chr15-100152720-G-C. GRCh37 (hg19) VCF-style: chr15-100692925-G-C.
Other names: short protein forms S455R.
Identifiers: ClinVar variation 1927115 (VCV001927115.4), dbSNP rs943796773, ClinGen allele CA275528244.
Genomic context (GRCh38, chr15:100,152,720, plus strand): 5'-CTGCTCGTTGGCACTGTAGTGCATGCCCGGCAGCTTGTGCGGGAGGCGTACTGTGTGCTG[G>C]CTTCTGGGGTCCGTGACTAGCAAGCAGGTGCTGACTTTTGACCTGAAACAGCCGAGAGGC-3'
Protein context (NP_620688.2, residues 445-465): STCLLVTDPR[Ser455Arg]QHTVRLPHKL

ClinVar aggregate classification (germline): Uncertain significance (1 of 4 stars; one submission).

Allele frequency attached by ClinVar (database versions not stated): TOPMed below 0.00001; gnomAD 0.00001.
gnomAD v4.1: 6 of 1,614,120 alleles (0.00037%); highest among the groups gnomAD compares: Non-Finnish European, 0.00051%; no homozygotes.

Submission:

Labcorp Genetics (formerly Invitae), Labcorp
Classification: Uncertain significance. Last evaluated: 2022-02-11. Review status: criteria provided, single submitter. Criteria: Invitae Variant Classification Sherloc (09022015). Collection method: clinical testing. Allele origin: germline.
Comment: In summary, the available evidence is currently insufficient to determine the role of this variant in disease. Therefore, it has been classified as a Variant of Uncertain Significance. Algorithms developed to predict the effect of missense changes on protein structure and function are either unavailable or do not agree on the potential impact of this missense change (SIFT: "Not Available"; PolyPhen-2: "Benign"; Align-GVGD: "Not Available"). This variant has not been reported in the literature in individuals affected with ADAMTS17-related conditions. This variant is not present in population databases (gnomAD no frequency). This sequence change replaces serine, which is neutral and polar, with arginine, which is basic and polar, at codon 455 of the ADAMTS17 protein (p.Ser455Arg).